The following is an entry in ClinVar:

NM_007294.4(BRCA1):c.4683C>G (p.Thr1561=)

Gene: BRCA1 (BRCA1 DNA repair associated; minus strand). Cytogenetic location: 17q21.31.
Variant type: single nucleotide variant.
Coding change: c.4683C>G on transcript NM_007294.4 (MANE Select); coding-DNA position 4683, C replaced by G.
Protein change: p.Thr1561=; no amino-acid change (threonine 1561 retained).
Molecular consequence: synonymous variant. On other transcripts: intron variant (1).
Genome position (GRCh38, 1-based): chr17:43,071,231, G>C on the plus strand (C>G on the coding strand, the complement: BRCA1 is on the minus strand). VCF-style: chr17-43071231-G-C. GRCh37 (hg19) VCF-style: chr17-41223248-G-C.
Other names: c.4470C>G, p.Thr1490= (NM_001407571.1, NM_001407894.1, NM_001407895.1 and 12 more transcripts); c.4749C>G, p.Thr1583= (NM_001407581.1, NM_001407582.1); c.4746C>G, p.Thr1582= (NM_001407583.1, NM_001407585.1, NM_001407587.1 and 1 more transcripts); c.4743C>G, p.Thr1581= (NM_001407590.1, NM_001407591.1); c.4683C>G, p.Thr1561= (NM_001407593.1, NM_001407594.1, NM_001407596.1 and 8 more transcripts); c.4680C>G, p.Thr1560= (NM_001407610.1, NM_001407611.1, NM_001407612.1 and 17 more transcripts); c.4677C>G, p.Thr1559= (NM_001407627.1, NM_001407628.1, NM_001407629.1 and 14 more transcripts); c.4674C>G, p.Thr1558= (NM_001407644.1, NM_001407645.1); and 71 more.
Identifiers: ClinVar variation 420042 (VCV000420042.13), dbSNP rs878853265, ClinGen allele CA16620422.

ClinVar aggregate classification (germline): Conflicting classifications of pathogenicity. Review status: criteria provided, conflicting classifications (1 of 4 stars). 3 submissions from 3 submitters: Uncertain significance (1); Likely benign (2). Last evaluated 2025-08-11.

Conditions:
Hereditary cancer-predisposing syndrome. Also called: Hereditary neoplastic syndrome; Tumor predisposition; Neoplastic Syndromes, Hereditary; Hereditary Cancer Syndrome. Identifiers: Orphanet 140162, MedGen C0027672, MeSH D009386, MONDO:0015356.
Hereditary breast ovarian cancer syndrome. Also called: Hereditary breast and ovarian cancer; Hereditary breast and/or ovarian cancer syndrome; Hereditary breast and ovarian cancer syndrome; Hereditary breast and ovarian cancer syndrome (HBOC); Breast and ovarian cancer; BRCA1- and BRCA2-Associated Hereditary Breast and Ovarian Cancer. Identifiers: Orphanet 145, MedGen C0677776, MeSH D061325, MONDO:0003582. Disease mechanism: loss of function.

Submissions (3):

Labcorp Genetics (formerly Invitae), Labcorp
Classification: Likely benign for Hereditary breast ovarian cancer syndrome. Last evaluated: 2025-08-11. Review status: criteria provided, single submitter. Criteria: Invitae Variant Classification Sherloc (09022015). Collection method: clinical testing. Allele origin: germline.

Ambry Genetics
Classification: Likely benign for Hereditary cancer-predisposing syndrome. Last evaluated: 2021-05-15. Review status: criteria provided, single submitter. Criteria: Ambry Variant Classification Scheme 2023. Collection method: clinical testing. Allele origin: germline.

GeneDx
Classification: Uncertain significance. Last evaluated: 2016-09-21. Review status: criteria provided, single submitter. Criteria: GeneDx Variant Classification (06012015). Collection method: clinical testing. Allele origin: germline. Affected: yes.
Comment: This variant is denoted BRCA1 c.4683C>G at the DNA level. This variant is silent at the coding level, preserving a Threonine at codon 1561. Using alternate nomenclature, this variant would be defined as BRCA1 4802C>G. It is not predicted to cause abnormal splicing; however, in the absence of RNA or functional studies, the actual effect of this variant is unknown. BRCA1 c.4683C>G was not observed in approximately 6,500 individuals of European and African American ancestry in the NHLBI Exome Sequencing Project, indicating it is not a common benign variant in these populations. The nucleotide which is altered, a cytosine (C) at base 4683, is conserved through mammals. Based on currently available information, it is unclear whether BRCA1 c.4683C>G is pathogenic or benign. We consider it to be a variant of uncertain significance.